The following is an entry in ClinVar:

NM_001876.4(CPT1A):c.492G>A (p.Leu164=)

Gene: CPT1A (carnitine palmitoyltransferase 1A; minus strand). Cytogenetic location: 11q13.3.
Variant type: single nucleotide variant.
Coding change: c.492G>A on transcript NM_001876.4 (MANE Select); coding-DNA position 492, G replaced by A.
Protein change: p.Leu164=; no amino-acid change (leucine 164 retained).
Molecular consequence: synonymous variant.
Genome position (GRCh38, 1-based): chr11:68,804,063, C>T on the plus strand (G>A on the coding strand, the complement: CPT1A is on the minus strand). VCF-style: chr11-68804063-C-T. GRCh37 (hg19) VCF-style: chr11-68571531-C-T.
Other names: c.492G>A, p.Leu164= (NM_001031847.3).
Identifiers: ClinVar variation 703881 (VCV000703881.21), dbSNP rs200836324, ClinGen allele CA6152647.
Genomic context (GRCh38, chr11:68,804,063, plus strand): 5'-GTTCACAGTGTCTTTGACAGCCGGGACCGGCAGGCGAGGCAGCGATGTCTGGAAGCTGTA[C>T]AACATGGGTTTTCGGCCTGAAAAGATCTTGACCATACCCTGAAGAGAGAGAATTATATTT-3'
Protein context (NP_001867.2, residues 154-174): VKIFSGRKPM[Leu164=]YSFQTSLPRL

ClinVar aggregate classification (germline): Likely benign. Review status: criteria provided, multiple submitters, no conflicts (2 of 4 stars). 5 submissions from 5 submitters: Likely benign (3). 2 of the submissions do not count toward it. Last evaluated 2026-01-05.

Conditions:
Carnitine palmitoyl transferase 1A deficiency. Also called: Carnitine palmitoyltransferase type I deficiency; CPT I DEFICIENCY; CPT DEFICIENCY, HEPATIC, TYPE I; Carnitine palmitoyltransferase 1A deficiency; CPT deficiency, hepatic, type IA. Identifiers: Orphanet 156, MedGen C1829703, MONDO:0009705, OMIM 255120.
CPT1A-related disorder. Also called: CPT1A-related condition.

Allele frequency attached by ClinVar (database versions not stated): ESP Exome Variant Server 0.00008; TOPMed 0.00015; gnomAD 0.00032 and 0.00034; gnomAD exomes 0.00037 and 0.00045; ExAC 0.00048.
gnomAD v4.1: 583 of 1,613,958 alleles (0.036%); highest among the groups gnomAD compares: Non-Finnish European, 0.037%; no homozygotes.

Submissions (5):

Labcorp Genetics (formerly Invitae), Labcorp
Classification: Likely benign for Carnitine palmitoyl transferase 1A deficiency. Last evaluated: 2026-01-05. Review status: criteria provided, single submitter. Criteria: Invitae Variant Classification Sherloc (09022015). Collection method: clinical testing. Allele origin: germline.

CeGaT Center for Human Genetics Tuebingen
Classification: Likely benign. Last evaluated: 2025-11-01. Review status: criteria provided, single submitter. Criteria: CeGaT Center For Human Genetics Tuebingen Variant Classification Criteria Version 2. Collection method: clinical testing. Allele origin: germline. Affected: yes. Observed: 2 variant alleles.
Comment: CPT1A: BP4, BP7

Blueprint Genetics
Classification: Likely benign. Last evaluated: 2024-11-17. Review status: criteria provided, single submitter. Criteria: ACMG Guidelines, 2015. Collection method: clinical testing. Allele origin: germline.

PreventionGenetics, part of Exact Sciences
Classification: Likely benign for CPT1A-related condition. Last evaluated: 2022-07-18. Review status: no assertion criteria provided. Collection method: clinical testing. Allele origin: germline. Not counted in ClinVar's aggregate classification.
Comment: This variant is classified as likely benign based on ACMG/AMP sequence variant interpretation guidelines (Richards et al. 2015 PMID: 25741868, with internal and published modifications).

Natera, Inc.
Classification: Likely benign for Carnitine palmitoyltransferase type I deficiency. Last evaluated: 2020-09-16. Review status: no assertion criteria provided. Collection method: clinical testing. Allele origin: germline. Not counted in ClinVar's aggregate classification.